The following is an entry in ClinVar:

NM_006088.6(TUBB4B):c.1095C>T (p.Ala365=)

Gene: TUBB4B (tubulin beta 4B class IVb; plus strand). Cytogenetic location: 9q34.3.
Variant type: single nucleotide variant.
Coding change: c.1095C>T on transcript NM_006088.6 (MANE Select); coding-DNA position 1095, C replaced by T.
Protein change: p.Ala365=; no amino-acid change (alanine 365 retained).
Molecular consequence: synonymous variant.
Genome position (GRCh38, 1-based): chr9:137,243,313, C>T. VCF-style: chr9-137243313-C-T. GRCh37 (hg19) VCF-style: chr9-140137765-C-T.
Identifiers: ClinVar variation 4980217 (VCV004980217.1).

ClinVar aggregate classification (germline): Likely benign (1 of 4 stars; one submission).

Conditions:
TUBB4B-related disorder. Also called: TUBB4B-related condition.

Submission:

PreventionGenetics, part of Exact Sciences
Classification: Likely benign for TUBB4B-related condition. Last evaluated: 2025-12-21. Review status: criteria provided, single submitter. Criteria: ACMG Guidelines, 2015. Collection method: clinical testing. Allele origin: germline.
Comment: This variant is classified as likely benign based on ACMG/AMP sequence variant interpretation guidelines (Richards et al. 2015 PMID: 25741868, with internal and published modifications).